The following is an entry in ClinVar:

NM_017636.4(TRPM4):c.2513G>A (p.Gly838Asp)

Gene: TRPM4 (transient receptor potential cation channel subfamily M member 4; plus strand). Cytogenetic location: 19q13.33.
Variant type: single nucleotide variant.
Coding change: c.2513G>A on transcript NM_017636.4 (MANE Select); coding-DNA position 2513, G replaced by A.
Protein change: p.Gly838Asp; replaces glycine 838 with aspartic acid.
Molecular consequence: missense variant. On other transcripts: intron variant (1).
Genome position (GRCh38, 1-based): chr19:49,196,742, G>A. VCF-style: chr19-49196742-G-A. GRCh37 (hg19) VCF-style: chr19-49699999-G-A.
Other names: c.2513G>A (NM_017636.3); c.2168G>A, p.Gly723Asp (NM_001321281.2); c.905G>A, p.Gly302Asp (NM_001321282.2); c.1991G>A, p.Gly664Asp (NM_001321283.2); c.1451G>A, p.Gly484Asp (NM_001321285.2); c.2211-3558G>A (NM_001195227.2); short protein forms G302D, G484D, G664D, G723D, G838D.
Identifiers: ClinVar variation 1717939 (VCV001717939.6), dbSNP rs2123044062, ClinGen allele CA406809381.
Genomic context (GRCh38, chr19:49,196,742, plus strand): 5'-ATTTCTGGGCTTTCACGCTGCTGTGCGAGGAACTGCGCCAGGGCCTGAGCGGAGGCGGGG[G>A]CAGCCTCGCCAGCGGGGGCCCCGGGCCTGGCCATGCCTCACTGAGCCAGCGCCTGCGCCT-3'
Protein context (NP_060106.2, residues 828-848): ELRQGLSGGG[Gly838Asp]SLASGGPGPG

ClinVar aggregate classification (germline): Uncertain significance. Review status: criteria provided, multiple submitters, no conflicts (2 of 4 stars). 2 submissions from 2 submitters: Uncertain significance (2). Last evaluated 2025-02-20.

Conditions:
Progressive familial heart block type IB (PFHB1B). Identifiers: Orphanet 871, MedGen C1970298, MONDO:0011474, OMIM 604559.

gnomAD v4.1: 1 of 1,549,884 alleles (0.000065%); no homozygotes.

Submissions (2):

GeneDx
Classification: Uncertain significance. Last evaluated: 2025-02-20. Review status: criteria provided, single submitter. Criteria: GeneDx Variant Classification Process June 2021. Collection method: clinical testing. Allele origin: germline. Affected: yes.
Comment: Not observed at significant frequency in large population cohorts (gnomAD); In silico analysis indicates that this missense variant does not alter protein structure/function; Has not been previously published as pathogenic or benign to our knowledge

Labcorp Genetics (formerly Invitae), Labcorp
Classification: Uncertain significance for Progressive familial heart block type IB. Last evaluated: 2022-08-24. Review status: criteria provided, single submitter. Criteria: Invitae Variant Classification Sherloc (09022015). Collection method: clinical testing. Allele origin: germline.
Comment: This sequence change replaces glycine, which is neutral and non-polar, with aspartic acid, which is acidic and polar, at codon 838 of the TRPM4 protein (p.Gly838Asp). This variant is not present in population databases (gnomAD no frequency). This variant has not been reported in the literature in individuals affected with TRPM4-related conditions. Algorithms developed to predict the effect of missense changes on protein structure and function are either unavailable or do not agree on the potential impact of this missense change (SIFT: "Tolerated"; PolyPhen-2: "Probably Damaging"; Align-GVGD: "Class C0"). In summary, the available evidence is currently insufficient to determine the role of this variant in disease. Therefore, it has been classified as a Variant of Uncertain Significance.